The following is an entry in ClinVar:

NM_176824.3(BBS7):c.2035A>G (p.Ile679Val)

Gene: BBS7 (Bardet-Biedl syndrome 7; minus strand). Cytogenetic location: 4q27.
Variant type: single nucleotide variant.
Coding change: c.2035A>G on transcript NM_176824.3 (MANE Select); coding-DNA position 2035, A replaced by G.
Protein change: p.Ile679Val; replaces isoleucine 679 with valine.
Molecular consequence: missense variant.
Genome position (GRCh38, 1-based): chr4:121,825,973, T>C on the plus strand (A>G on the coding strand, the complement: BBS7 is on the minus strand). VCF-style: chr4-121825973-T-C. GRCh37 (hg19) VCF-style: chr4-122747128-T-C.
Other names: short protein forms I679V.
Identifiers: ClinVar variation 2090377 (VCV002090377.4), dbSNP rs1163284205, ClinGen allele CA358053874.

ClinVar aggregate classification (germline): Uncertain significance (1 of 4 stars; one submission).

Conditions:
Bardet-Biedl syndrome (BBS). Identifiers: Orphanet 110, MedGen C0752166, MONDO:0015229.

Allele frequency attached by ClinVar (database versions not stated): gnomAD exomes below 0.00001; TOPMed below 0.00001.
gnomAD v4.1: 2 of 1,603,138 alleles (0.00012%); highest among the groups gnomAD compares: East Asian, 0.0022%; no homozygotes.

Submission:

Labcorp Genetics (formerly Invitae), Labcorp
Classification: Uncertain significance for Bardet-Biedl syndrome. Last evaluated: 2022-06-09. Review status: criteria provided, single submitter. Criteria: Invitae Variant Classification Sherloc (09022015). Collection method: clinical testing. Allele origin: germline.
Comment: This sequence change replaces isoleucine, which is neutral and non-polar, with valine, which is neutral and non-polar, at codon 679 of the BBS7 protein (p.Ile679Val). In summary, the available evidence is currently insufficient to determine the role of this variant in disease. Therefore, it has been classified as a Variant of Uncertain Significance. Algorithms developed to predict the effect of missense changes on protein structure and function (SIFT, PolyPhen-2, Align-GVGD) all suggest that this variant is likely to be tolerated. This variant has not been reported in the literature in individuals affected with BBS7-related conditions. This variant is present in population databases (no rsID available, gnomAD 0.0009%).